The following is an entry in ClinVar:

NM_024529.5(CDC73):c.1432C>A (p.Leu478Met)

Gene: CDC73 (cell division cycle 73; plus strand). Cytogenetic location: 1q31.2.
Variant type: single nucleotide variant.
Coding change: c.1432C>A on transcript NM_024529.5 (MANE Select); coding-DNA position 1432, C replaced by A.
Protein change: p.Leu478Met; replaces leucine 478 with methionine.
Molecular consequence: missense variant.
Genome position (GRCh38, 1-based): chr1:193,249,744, C>A. VCF-style: chr1-193249744-C-A. GRCh37 (hg19) VCF-style: chr1-193218874-C-A.
Other names: short protein forms L478M.
Identifiers: ClinVar variation 2662529 (VCV002662529.1), dbSNP rs1060500025, ClinGen allele CA344078365.

ClinVar aggregate classification (germline): Uncertain significance (1 of 4 stars; one submission).

Submission:

GeneDx
Classification: Uncertain significance. Last evaluated: 2023-04-10. Review status: criteria provided, single submitter. Criteria: GeneDx Variant Classification Process June 2021. Collection method: clinical testing. Allele origin: germline. Affected: yes.
Comment: Not observed at significant frequency in large population cohorts (gnomAD); In silico analysis supports that this missense variant does not alter protein structure/function; Has not been previously published as pathogenic or benign to our knowledge